The following is an entry in ClinVar:

NM_000238.4(KCNH2):c.2775G>C (p.Gly925=)

Gene: KCNH2 (potassium voltage-gated channel subfamily H member 2; minus strand). Cytogenetic location: 7q36.1.
Variant type: single nucleotide variant.
Coding change: c.2775G>C on transcript NM_000238.4 (MANE Select); coding-DNA position 2775, G replaced by C.
Protein change: p.Gly925=; no amino-acid change (glycine 925 retained).
Molecular consequence: synonymous variant.
Genome position (GRCh38, 1-based): chr7:150,947,796, C>G on the plus strand (G>C on the coding strand, the complement: KCNH2 is on the minus strand). VCF-style: chr7-150947796-C-G. GRCh37 (hg19) VCF-style: chr7-150644884-C-G.
Other names: c.2487G>C, p.Gly829= (NM_001406753.1); c.1755G>C, p.Gly585= (NM_172057.3).
Identifiers: ClinVar variation 3069296 (VCV003069296.1), dbSNP rs1800968726, ClinGen allele CA458871196.

ClinVar aggregate classification (germline): Likely benign (1 of 4 stars; one submission).

Conditions:
Long QT syndrome (LQTS). Identifiers: MedGen C0023976, MeSH D008133, MONDO:0002442. Disease mechanism: loss of function. Inheritance: Various modes of inheritance.

Allele frequency attached by ClinVar (database versions not stated): TOPMed below 0.00001.

Submission:

All of Us Research Program, National Institutes of Health
Classification: Likely benign for Long QT syndrome. Last evaluated: 2022-11-27. Review status: criteria provided, single submitter. Criteria: ACMG Guidelines, 2015. Collection method: clinical testing. Allele origin: germline. Inheritance: Autosomal dominant inheritance. Observed: 1 variant allele, 1 heterozygote.
Comment: This study involves interpretation of variants in research participants for the purpose of population health screening. Participant phenotype was not available at the time of variant classification. Additional details can be found in publication PMID: 35346344, PMCID: PMC8962531